The following is an entry in ClinVar:

ClinVar aggregate classification (germline): Pathogenic/Likely pathogenic. Review status: criteria provided, multiple submitters, no conflicts (2 of 4 stars). 6 submissions from 6 submitters: Pathogenic (3); Likely pathogenic (2). 1 of the submissions does not count toward it. Last evaluated 2025-10-21.

Conditions:
Autosomal recessive nonsyndromic hearing loss 4 (DFNB4). Also called: DEAFNESS, AUTOSOMAL RECESSIVE 4, WITH ENLARGED VESTIBULAR AQUEDUCT, DIGENIC; Deafness, autosomal recessive 4; Enlarged vestibular aqueduct, digenic; FOXI1-Related Pendred Syndrome; KCNJ10-Related Pendred Syndrome; Deafness, autosomal recessive 4, with enlarged vestibular aqueduct. Identifiers: Orphanet 90636, MedGen C3538946, MONDO:0010933, OMIM 600791.
Pendred syndrome (PDS). Also called: HYPOTHYROIDISM, CONGENITAL, DUE TO DYSHORMONOGENESIS, 2B; Pendred's syndrome; THYROID DYSHORMONOGENESIS 2B; THYROID HORMONOGENESIS, GENETIC DEFECT IN, 2B; Pendred Syndrome (PDS); DEAFNESS WITH GOITER. Identifiers: Orphanet 705, MedGen C0271829, MONDO:0010134, OMIM 274600.

Allele frequency attached by ClinVar (database versions not stated): TOPMed 0.00002.
gnomAD v4.1: 8 of 1,539,642 alleles (0.00052%); highest among the groups gnomAD compares: African/African-American, 0.011%; no homozygotes.

Submissions (6):

Natera, Inc.
Classification: Likely pathogenic for Pendred syndrome. Last evaluated: 2025-10-21. Review status: criteria provided, single submitter. Criteria: Natera Variant Classification Schema (03/2026). Collection method: clinical testing. Allele origin: germline.
Comment: The c.142G>T variant in SLC26A4 is a nonsense variant predicted to introduce a stop codon at amino acid 48. This variant is expected to result in nonsense mediated decay, truncation, or a dysfunctional protein product. This variant is rare in the general population with a frequency below the threshold expected for the associated phenotype(s). Given the available evidence, this variant is classified as Likely Pathogenic.

GeneDx
Classification: Pathogenic. Last evaluated: 2024-12-20. Review status: criteria provided, single submitter. Criteria: GeneDx Variant Classification Process June 2021. Collection method: clinical testing. Allele origin: germline. Affected: yes.
Comment: Nonsense variant predicted to result in protein truncation or nonsense mediated decay in a gene for which loss of function is a known mechanism of disease; Not observed at significant frequency in large population cohorts (gnomAD); Has not been previously published as pathogenic or benign to our knowledge

Baylor Genetics
Classification: Pathogenic for Autosomal recessive nonsyndromic hearing loss 4. Last evaluated: 2024-01-11. Review status: criteria provided, single submitter. Criteria: ACMG Guidelines, 2015. Collection method: clinical testing. Allele origin: unknown.

Labcorp Genetics (formerly Invitae), Labcorp
Classification: Pathogenic. Last evaluated: 2023-09-08. Review status: criteria provided, single submitter. Criteria: Invitae Variant Classification Sherloc (09022015). Collection method: clinical testing. Allele origin: germline.
Comment: For these reasons, this variant has been classified as Pathogenic. ClinVar contains an entry for this variant (Variation ID: 371369). This variant has not been reported in the literature in individuals affected with SLC26A4-related conditions. This variant is not present in population databases (gnomAD no frequency). This sequence change creates a premature translational stop signal (p.Glu48*) in the SLC26A4 gene. It is expected to result in an absent or disrupted protein product. Loss-of-function variants in SLC26A4 are known to be pathogenic (PMID: 16283880, 25394566, 26252218, 26445815).

Genome-Nilou Lab
Classification: Likely pathogenic for Pendred syndrome. Last evaluated: 2021-09-05. Review status: criteria provided, single submitter. Criteria: ACMG Guidelines, 2015. Collection method: clinical testing. Allele origin: germline. Affected: no.

Counsyl
Classification: Likely pathogenic for Pendred syndrome. Last evaluated: 2016-09-07. Review status: no assertion criteria provided. Collection method: clinical testing. Allele origin: unknown. Not counted in ClinVar's aggregate classification.

Literature cited by the submitters: PubMed 16283880 (cited by Labcorp Genetics (formerly Invitae), Labcorp); PubMed 25394566 (cited by Labcorp Genetics (formerly Invitae), Labcorp); PubMed 26252218 (cited by Labcorp Genetics (formerly Invitae), Labcorp); PubMed 26445815 (cited by Labcorp Genetics (formerly Invitae), Labcorp).

NM_000441.2(SLC26A4):c.142G>T (p.Glu48Ter)

Genes: SLC26A4-AS1 (SLC26A4 antisense RNA 1; minus strand), SLC26A4 (solute carrier family 26 member 4; plus strand). Cytogenetic location: 7q22.3.
Variant type: single nucleotide variant.
Coding change: c.142G>T on transcript NM_000441.2 (MANE Select); coding-DNA position 142, G replaced by T.
Protein change: p.Glu48Ter; replaces glutamic acid 48 with a stop codon.
Molecular consequence: nonsense. On other transcripts: non-coding transcript variant (1).
Genome position (GRCh38, 1-based): chr7:107,661,783, G>T. VCF-style: chr7-107661783-G-T. GRCh37 (hg19) VCF-style: chr7-107302228-G-T.
Other names: short protein forms E48*.
Identifiers: ClinVar variation 371369 (VCV000371369.16), dbSNP rs201636911, ClinGen allele CA4432371.